The following is an entry in ClinVar:

ClinVar aggregate classification (germline): Pathogenic (1 of 4 stars; one submission).

Conditions:
Severe myoclonic epilepsy in infancy (DRVT). Also called: Epileptic encephalopathy, early infantile, 6 (Dravet syndrome); SEVERE MYOCLONIC EPILEPSY OF INFANCY; DEVELOPMENTAL AND EPILEPTIC ENCEPHALOPATHY 6A; Severe Myoclonic Epilepsy in Infancy (SMEI); Dravet syndrome. Identifiers: Orphanet 33069, MedGen C0751122, MONDO:0100135, OMIM 607208.

Submission:

Center for Bioinformatics, Peking University
Classification: Pathogenic for Dravet syndrome. Last evaluated: 2014-12-20. Review status: criteria provided, single submitter. Criteria: Xu et al. (Hum Mutat. 2015). Collection method: research. Allele origin: de novo. Affected: yes. Observed: 1 variant allele. Study: University Clinical Cooperation “985 Project” PKU-2014-1-1.
Comment: Dravet syndrome (DS) probands were recruited from the outpatient and inpatient child neurology units of Peking University First Hospital from 2005 till present. The study was approved by the Ethics Committee of Peking University First Hospital and the Institutional Review Board at Peking University. Participants or their parents provided written informed consent before enrollment. We collected a total of 267 mutations from 255 families with probands diagnosed with DS in China. All probands fulfilled the clinical diagnostic criteria.

NM_001165963.4(SCN1A):c.4879_4883dup (p.Tyr1628Ter)

Genes: SCN1A (sodium voltage-gated channel alpha subunit 1; minus strand), LOC102724058 (uncharacterized LOC102724058; plus strand). Cytogenetic location: 2q24.3.
Variant type: Duplication.
Coding change: c.4879_4883dup on transcript NM_001165963.4 (MANE Select); coding-DNA positions 4879 to 4883, 5 bases duplicated (AAGTA; older notation c.4879_4883dupAAGTA).
Protein change: p.Tyr1628Ter; replaces tyrosine 1628 with a stop codon.
Molecular consequence: nonsense. On other transcripts: non-coding transcript variant (1).
Genome position (GRCh38, 1-based): chr2:165,992,392-165,992,396, TACTT duplicated on the plus strand (AAGTA on the coding strand, the reverse complement: SCN1A is on the minus strand); duplicating any 5 consecutive bases within chr2:165,992,392-165,992,397 gives the same sequence; the c. name uses the placement nearest the transcript's 3' end. VCF-style (leftmost placement, unchanged base first): chr2-165992391-A-ATACTT. GRCh37 (hg19) VCF-style: chr2-166848901-A-ATACTT.
Other names: c.4795_4799dup, p.Tyr1600Ter (NM_001165964.3, NM_001353957.2, NM_001353958.2); c.4879_4883dup, p.Tyr1628Ter (NM_001202435.3, NM_001353948.2); c.4846_4850dup, p.Tyr1617Ter (NM_001353949.2, NM_001353950.2, NM_001353951.2 and 2 more transcripts); c.4843_4847dup, p.Tyr1616Ter (NM_001353954.2, NM_001353955.2); c.4792_4796dup, p.Tyr1599Ter (NM_001353960.2); c.2437_2441dup, p.Tyr814Ter (NM_001353961.2); short protein forms Y1616*, Y814*, Y1599*, Y1617*, Y1600*, Y1628*.
Identifiers: ClinVar variation 189849 (VCV000189849.1), dbSNP rs794726701, ClinGen allele CA303108.